The following is an entry in ClinVar:

NM_001267550.2(TTN):c.70501G>T (p.Glu23501Ter)

Genes: TTN (titin; minus strand), TTN-AS1 (TTN antisense RNA 1; plus strand), LOC126806422 (BRD4-independent group 4 enhancer GRCh37_chr2:179440205-179441404; plus strand). Cytogenetic location: 2q31.2.
Variant type: single nucleotide variant.
Coding change: c.70501G>T on transcript NM_001267550.2 (MANE Select); coding-DNA position 70501, G replaced by T.
Protein change: p.Glu23501Ter; replaces glutamic acid 23501 with a stop codon.
Molecular consequence: nonsense.
Genome position (GRCh38, 1-based): chr2:178,575,631, C>A on the plus strand (G>T on the coding strand, the complement: TTN is on the minus strand). VCF-style: chr2-178575631-C-A. GRCh37 (hg19) VCF-style: chr2-179440358-C-A.
Other names: c.62797G>T, p.Glu20933Ter (NM_133378.4); c.65578G>T, p.Glu21860Ter (NM_001256850.1); c.43306G>T, p.Glu14436Ter (NM_003319.4); c.43681G>T, p.Glu14561Ter (NM_133432.3); c.43882G>T, p.Glu14628Ter (NM_133437.4); short protein forms E14436*, E14561*, E14628*, E20933*, E21860*, E23501*.
Identifiers: ClinVar variation 1325291 (VCV001325291.8), dbSNP rs1709809170, ClinGen allele CA349662858.

ClinVar aggregate classification (germline): Likely pathogenic. Review status: criteria provided, multiple submitters, no conflicts (2 of 4 stars). 3 submissions from 3 submitters: Likely pathogenic (3). Last evaluated 2025-09-10.

Conditions:
Dilated cardiomyopathy 1G (CMD1G). Identifiers: Orphanet 154, MedGen C1858763, MONDO:0011400, OMIM 604145.
Autosomal recessive limb-girdle muscular dystrophy type 2J (LGMDR10). Also called: Limb-girdle muscular dystrophy, type 2J; MUSCULAR DYSTROPHY, LIMB-GIRDLE, AUTOSOMAL RECESSIVE 10. Identifiers: Orphanet 140922, MedGen C1837342, MONDO:0012127, OMIM 608807.

Submissions (3):

Genomic Medicine Center of Excellence, King Faisal Specialist Hospital and Research Centre
Classification: Likely pathogenic for Dilated cardiomyopathy 1G. Last evaluated: 2025-09-10. Review status: criteria provided, single submitter. Criteria: ACMG Guidelines, 2015. Collection method: clinical testing. Allele origin: germline.

Labcorp Genetics (formerly Invitae), Labcorp
Classification: Likely pathogenic for Dilated cardiomyopathy 1G; Autosomal recessive limb-girdle muscular dystrophy type 2J. Last evaluated: 2024-03-29. Review status: criteria provided, single submitter. Criteria: Invitae Variant Classification Sherloc (09022015). Collection method: clinical testing. Allele origin: germline.
Comment: This sequence change creates a premature translational stop signal (p.Glu23501*) in the TTN gene. While this is not anticipated to result in nonsense mediated decay, it is expected to create a truncated TTN protein. This variant is not present in population databases (gnomAD no frequency). This variant has not been reported in the literature in individuals affected with TTN-related conditions. ClinVar contains an entry for this variant (Variation ID: 1325291). This variant is located in the A band of TTN (PMID: 25589632). Truncating variants in this region are significantly overrepresented in patients affected with dilated cardiomyopathy (PMID: 25589632). Truncating variants in this region have also been reported in individuals affected with autosomal recessive centronuclear myopathy (PMID: 23975875). In summary, the currently available evidence indicates that the variant is pathogenic, but additional data are needed to prove that conclusively. Therefore, this variant has been classified as Likely Pathogenic.

Revvity Omics, Revvity
Classification: Likely pathogenic. Last evaluated: 2019-10-10. Review status: criteria provided, single submitter. Criteria: ACMG Guidelines, 2015. Collection method: clinical testing. Allele origin: germline.

Literature cited by the submitters: PubMed 25589632 (cited by Labcorp Genetics (formerly Invitae), Labcorp); PubMed 23975875 (cited by Labcorp Genetics (formerly Invitae), Labcorp).